The following is an entry in ClinVar:

NM_000127.3(EXT1):c.114A>G (p.Glu38=)

Gene: EXT1 (exostosin glycosyltransferase 1; minus strand). Cytogenetic location: 8q24.11.
Variant type: single nucleotide variant.
Coding change: c.114A>G on transcript NM_000127.3 (MANE Select); coding-DNA position 114, A replaced by G.
Protein change: p.Glu38=; no amino-acid change (glutamic acid 38 retained).
Molecular consequence: synonymous variant.
Genome position (GRCh38, 1-based): chr8:118,110,933, T>C on the plus strand (A>G on the coding strand, the complement: EXT1 is on the minus strand). VCF-style: chr8-118110933-T-C. GRCh37 (hg19) VCF-style: chr8-119123172-T-C.
Identifiers: ClinVar variation 255169 (VCV000255169.21), dbSNP rs17506447, ClinGen allele CA4854417.

ClinVar aggregate classification (germline): Benign. Review status: criteria provided, multiple submitters, no conflicts (2 of 4 stars). 6 submissions from 6 submitters: Benign (6). Last evaluated 2026-02-02.

Conditions:
Exostoses, multiple, type 1 (EXT1). Also called: Hereditary Multiple Osteochondromatosis, Type I; EXOSTOSES, MULTIPLE, TYPE I. Identifiers: MedGen CN263289, MONDO:0007585, OMIM 133700.
Multiple congenital exostosis (EXT). Also called: Multiple exostoses; Hereditary multiple osteochondromas; Multiple osteochondromas; MULTIPLE CARTILAGINOUS EXOSTOSES; Hereditary multiple exostoses; Hereditary multiple exostosis. Identifiers: Orphanet 321, MedGen C0015306, MONDO:0005508, HP:0002762.

Allele frequency attached by ClinVar (database versions not stated): gnomAD exomes 0.00143 and 0.00375; ExAC 0.00454; gnomAD 0.01506 and 0.01623; 1000 Genomes Project 0.01558; ESP Exome Variant Server 0.01668; TOPMed 0.01692; 1000 Genomes Project 30x 0.01733.
gnomAD v4.1: 4,440 of 1,613,888 alleles (0.28%); highest among the groups gnomAD compares: African/African-American, 5.3%; 107 homozygotes.

Submissions (6):

Labcorp Genetics (formerly Invitae), Labcorp
Classification: Benign for Multiple congenital exostosis. Last evaluated: 2026-02-02. Review status: criteria provided, single submitter. Criteria: Invitae Variant Classification Sherloc (09022015). Collection method: clinical testing. Allele origin: germline.

KCCC/NGS Laboratory, Kuwait Cancer Control Center
Classification: Benign for Exostoses, multiple, type 1. Last evaluated: 2023-07-07. Review status: criteria provided, single submitter. Criteria: ACMG Guidelines, 2015. Collection method: clinical testing. Allele origin: germline. Affected: yes.

GeneDx
Classification: Benign. Last evaluated: 2021-01-19. Review status: criteria provided, single submitter. Criteria: GeneDx Variant Classification Process June 2021. Collection method: clinical testing. Allele origin: germline. Affected: yes.

Illumina Laboratory Services, Illumina
Classification: Benign for Exostoses, multiple, type 1. Last evaluated: 2018-01-13. Review status: criteria provided, single submitter. Criteria: ICSL Variant Classification Criteria 13 December 2019. Collection method: clinical testing. Allele origin: germline.
Comment: This variant was observed in the ICSL laboratory as part of a predisposition screen in an ostensibly healthy population. It had not been previously curated by ICSL or reported in the Human Gene Mutation Database (HGMD: prior to June 1st, 2018), and was therefore a candidate for classification through an automated scoring system. Utilizing variant allele frequency, disease prevalence and penetrance estimates, and inheritance mode, an automated score was calculated to assess if this variant is too frequent to cause the disease. Based on the score and internal cut-off values, a variant classified as benign is not then subjected to further curation. The score for this variant resulted in a classification of benign for this disease.

Breakthrough Genomics
Classification: Benign. Review status: criteria provided, single submitter. Criteria: ACMG Guidelines, 2015. Collection method: not provided. Allele origin: germline. Inheritance: Autosomal dominant inheritance. Affected: yes.

PreventionGenetics, part of Exact Sciences
Classification: Benign. Review status: criteria provided, single submitter. Criteria: ACMG Guidelines, 2015. Collection method: clinical testing. Allele origin: germline.